The following is an entry in ClinVar:

ClinVar aggregate classification (germline): Likely benign (0 of 4 stars; one submission).

Conditions:
MCHR1-related disorder. Also called: MCHR1-related condition.

Allele frequency attached by ClinVar (database versions not stated): ExAC 0.00083; gnomAD 0.00092; TOPMed 0.00094; 1000 Genomes Project 0.00100; ESP Exome Variant Server 0.00108; 1000 Genomes Project 30x 0.00109; gnomAD exomes 0.00113.

Submission:

PreventionGenetics, part of Exact Sciences
Classification: Likely benign for MCHR1-related condition. Last evaluated: 2022-04-25. Review status: no assertion criteria provided. Collection method: clinical testing. Allele origin: germline.
Comment: This variant is classified as likely benign based on ACMG/AMP sequence variant interpretation guidelines (Richards et al. 2015 PMID: 25741868, with internal and published modifications).

NM_005297.4(MCHR1):c.-134C>T

Gene: MCHR1 (melanin concentrating hormone receptor 1; plus strand). Cytogenetic location: 22q13.2.
Variant type: single nucleotide variant.
Coding change: c.-134C>T on transcript NM_005297.4 (MANE Select); 134 bases upstream of the start codon, C replaced by T.
Molecular consequence: 5 prime UTR variant.
Genome position (GRCh38, 1-based): chr22:40,679,519, C>T. VCF-style: chr22-40679519-C-T. GRCh37 (hg19) VCF-style: chr22-41075523-C-T.
Identifiers: ClinVar variation 3042319 (VCV003042319.2), dbSNP rs117372135, ClinGen allele CA10250085.